The following is an entry in ClinVar:

NM_001710.6(CFB):c.493T>C (p.Cys165Arg)

Gene: CFB (complement factor B; plus strand). Cytogenetic location: 6p21.33.
Variant type: single nucleotide variant.
Coding change: c.493T>C on transcript NM_001710.6 (MANE Select); coding-DNA position 493, T replaced by C.
Protein change: p.Cys165Arg; replaces cysteine 165 with arginine.
Molecular consequence: missense variant.
Genome position (GRCh38, 1-based): chr6:31,947,356, T>C. VCF-style: chr6-31947356-T-C. GRCh37 (hg19) VCF-style: chr6-31915133-T-C.
Other names: short protein forms C165R.
Identifiers: ClinVar variation 3691857 (VCV003691857.2).

ClinVar aggregate classification (germline): Uncertain significance (1 of 4 stars; one submission).

Submission:

Labcorp Genetics (formerly Invitae), Labcorp
Classification: Uncertain significance. Last evaluated: 2024-07-15. Review status: criteria provided, single submitter. Criteria: Invitae Variant Classification Sherloc (09022015). Collection method: clinical testing. Allele origin: germline.
Comment: This sequence change replaces cysteine, which is neutral and slightly polar, with arginine, which is basic and polar, at codon 165 of the CFB protein (p.Cys165Arg). This variant is not present in population databases (gnomAD no frequency). This variant has not been reported in the literature in individuals affected with CFB-related conditions. Advanced modeling of protein sequence and biophysical properties (such as structural, functional, and spatial information, amino acid conservation, physicochemical variation, residue mobility, and thermodynamic stability) performed at Invitae indicates that this missense variant is expected to disrupt CFB protein function with a positive predictive value of 80%. In summary, the available evidence is currently insufficient to determine the role of this variant in disease. Therefore, it has been classified as a Variant of Uncertain Significance.